The following is an entry in ClinVar:

NM_080605.4(B3GALT6):c.110G>A (p.Gly37Glu)

Gene: B3GALT6 (beta-1,3-galactosyltransferase 6; plus strand). Cytogenetic location: 1p36.33.
Variant type: single nucleotide variant.
Coding change: c.110G>A on transcript NM_080605.4 (MANE Select); coding-DNA position 110, G replaced by A.
Protein change: p.Gly37Glu; replaces glycine 37 with glutamic acid.
Molecular consequence: missense variant.
Genome position (GRCh38, 1-based): chr1:1,232,388, G>A. VCF-style: chr1-1232388-G-A. GRCh37 (hg19) VCF-style: chr1-1167768-G-A.
Other names: p.Gly37Glu; short protein forms G37E.
Identifiers: ClinVar variation 800197 (VCV000800197.18), dbSNP rs892958562, ClinGen allele CA16755096.

ClinVar aggregate classification (germline): Conflicting classifications of pathogenicity. Review status: criteria provided, conflicting classifications (1 of 4 stars). 8 submissions from 8 submitters: Uncertain significance (1); Likely benign (7). Last evaluated 2026-05-26.

Conditions:
Spondyloepimetaphyseal dysplasia with joint laxity, type 1, with or without fractures (SEMDJL1). Also called: SPONDYLOEPIMETAPHYSEAL DYSPLASIA WITH JOINT LAXITY, TYPE 1. Identifiers: Orphanet 642099, Orphanet 93359, MedGen C4017377, MONDO:0010075, OMIM 271640.
B3GALT6-related disorder. Also called: B3GALT6-related condition.
Spondyloepimetaphyseal dysplasia with joint laxity (SEMDJL). Identifiers: MedGen C0432243, MONDO:0019675.
Ehlers-Danlos syndrome, spondylodysplastic type, 2 (EDSSPD2). Also called: Ehlers-Danlos syndrome, progeroid type, 2. Identifiers: Orphanet 536467, Orphanet 75496, MedGen C3809210, MONDO:0014139, OMIM 615349.
Inborn genetic diseases. Identifiers: MedGen C0950123, MeSH D030342.

Allele frequency attached by ClinVar (database versions not stated): gnomAD exomes 0.00008; gnomAD 0.00100 and 0.00109; 1000 Genomes Project 30x 0.00109; TOPMed 0.00126.
gnomAD v4.1: 211 of 986,668 alleles (0.021%); highest among the groups gnomAD compares: African/African-American, 0.35%; 1 homozygote.

Submissions (8):

Women's Health and Genetics/Laboratory Corporation of America, LabCorp
Classification: Likely benign. Last evaluated: 2026-05-26. Review status: criteria provided, single submitter. Criteria: LabCorp Variant Classification Summary - May 2015. Collection method: clinical testing. Allele origin: germline.
Comment: Variant summary: B3GALT6 c.110G>A (p.Gly37Glu) results in a non-conservative amino acid change in the encoded protein sequence. Algorithms developed to predict the effect of missense changes on protein structure and function are either unavailable or do not agree on the potential impact of this missense change. The variant allele was found at a frequency of 0.0013 in 24398 control chromosomes, predominantly at a frequency of 0.0039 within the African or African-American subpopulation in the gnomAD database, including 1 homozygotes. The observed variant frequency within African or African-American control individuals in the gnomAD database exceeds the estimated maximal expected allele frequency for disease-causing variants in B3GALT6. To our knowledge, no occurrence of c.110G>A in individuals affected with B3GALT6-related conditions and no experimental evidence demonstrating its impact on protein function have been reported. ClinVar contains an entry for this variant (Variation ID: 800197). Based on the evidence outlined above, the variant was classified as likely benign.

Labcorp Genetics (formerly Invitae), Labcorp
Classification: Likely benign for Ehlers-Danlos syndrome, spondylodysplastic type, 2; Spondyloepimetaphyseal dysplasia with joint laxity. Last evaluated: 2026-02-01. Review status: criteria provided, single submitter. Criteria: Invitae Variant Classification Sherloc (09022015). Collection method: clinical testing. Allele origin: germline.

PreventionGenetics, part of Exact Sciences
Classification: Likely benign for B3GALT6-related condition. Last evaluated: 2025-08-04. Review status: criteria provided, single submitter. Criteria: ACMG Guidelines, 2015. Collection method: clinical testing. Allele origin: germline.
Comment: This variant is classified as likely benign based on ACMG/AMP sequence variant interpretation guidelines (Richards et al. 2015 PMID: 25741868, with internal and published modifications).

Mayo Clinic Laboratories, Mayo Clinic
Classification: Likely benign. Last evaluated: 2024-11-09. Review status: criteria provided, single submitter. Criteria: ACMG Guidelines, 2015. Collection method: clinical testing. Allele origin: germline. Observed: 2 variant alleles.
Comment: BP4

Blueprint Genetics
Classification: Likely benign. Last evaluated: 2023-06-19. Review status: criteria provided, single submitter. Criteria: ACMG Guidelines, 2015. Collection method: clinical testing. Allele origin: germline.

Ambry Genetics
Classification: Likely benign for Inborn genetic diseases. Last evaluated: 2022-06-27. Review status: criteria provided, single submitter. Criteria: Ambry Variant Classification Scheme 2023. Collection method: clinical testing. Allele origin: germline.

GeneDx
Classification: Likely benign. Last evaluated: 2020-11-27. Review status: criteria provided, single submitter. Criteria: GeneDx Variant Classification Process June 2021. Collection method: clinical testing. Allele origin: germline. Affected: yes.
Comment: Has not been previously published as pathogenic or benign to our knowledge

Baylor Genetics
Classification: Uncertain significance for Spondyloepimetaphyseal dysplasia with joint laxity, type 1, with or without fractures. Last evaluated: 2019-06-05. Review status: criteria provided, single submitter. Criteria: ACMG Guidelines, 2015. Collection method: clinical testing. Allele origin: unknown. Affected: yes.
Comment: This variant was determined to be of uncertain significance according to ACMG Guidelines, 2015 [PMID:25741868].